The following is an entry in ClinVar:

ClinVar aggregate classification (germline): Benign (1 of 4 stars; one submission).

Allele frequency attached by ClinVar (database versions not stated): 1000 Genomes Project 30x 0.00515; 1000 Genomes Project 0.00559; TOPMed 0.00560; gnomAD 0.00791; ExAC 0.01022.
gnomAD v4.1: 9,677 of 1,289,700 alleles (0.75%); highest among the groups gnomAD compares: Middle Eastern, 1.6%; 69 homozygotes.

Submission:

CeGaT Center for Human Genetics Tuebingen
Classification: Benign. Last evaluated: 2023-02-01. Review status: criteria provided, single submitter. Criteria: CeGaT Center For Human Genetics Tuebingen Variant Classification Criteria Version 2. Collection method: clinical testing. Allele origin: germline. Affected: yes. Observed: 1 variant allele.
Comment: MACF1: BS1, BS2

NM_001394062.1(MACF1):c.528+10738A>G

Gene: MACF1 (microtubule actin crosslinking factor 1; plus strand). Cytogenetic location: 1p34.3.
Variant type: single nucleotide variant.
Coding change: c.528+10738A>G on transcript NM_001394062.1 (MANE Select); 10738 bases into the intron after coding-DNA position 528, A replaced by G.
Molecular consequence: intron variant.
Genome position (GRCh38, 1-based): chr1:39,268,766, A>G. VCF-style: chr1-39268766-A-G. GRCh37 (hg19) VCF-style: chr1-39734438-A-G.
Other names: c.543+10738A>G (NM_012090.5).
Identifiers: ClinVar variation 2638688 (VCV002638688.24), dbSNP rs148853384, ClinGen allele CA779187.